The following is an entry in ClinVar:

ClinVar aggregate classification (germline): Uncertain significance (1 of 4 stars; one submission).

Conditions:
TNF receptor-associated periodic fever syndrome (TRAPS) (FPF). Also called: TNF RECEPTOR-ASSOCIATED PERIODIC SYNDROME; TUMOR NECROSIS FACTOR RECEPTOR-ASSOCIATED PERIODIC SYNDROME; FAMILIAL HIBERNIAN FEVER; TNF receptor 1-associated periodic fever syndrome; TNF Receptor-Associated Periodic Fever Syndrome; Autosomal Dominant Familial Periodic Fever. Identifiers: Orphanet 32960, MedGen C1275126, MONDO:0007727, OMIM 142680.

Submission:

Labcorp Genetics (formerly Invitae), Labcorp
Classification: Uncertain significance for TNF receptor-associated periodic fever syndrome (TRAPS). Last evaluated: 2020-09-02. Review status: criteria provided, single submitter. Criteria: Invitae Variant Classification Sherloc (09022015). Collection method: clinical testing. Allele origin: germline.
Comment: The current clinical and genetic evidence is not sufficient to establish whether loss-of-function variants in TNFRSF1A cause disease. This variant has not been reported in the literature in individuals with TNFRSF1A-related conditions. This variant results in a copy number gain of the genomic region encompassing exon(s) 2-5 of the TNFRSF1A gene. While the exact position of this variant cannot be determined from the data, sub-genic copy number gains are generally in tandem (PMID: 25640679). This variant is predicted to be out-of-frame, and may result in an absent or disrupted protein product. In summary, the available evidence is currently insufficient to determine the role of this variant in disease. Therefore, it has been classified as a Variant of Uncertain Significance.

Literature cited by the submitters: PubMed 25640679.

NC_000012.11:g.(?_6442215)_(6443430_?)dup

Gene: TNFRSF1A (TNF receptor superfamily member 1A; minus strand). Cytogenetic location: 12p13.31.
Variant type: Duplication.
Identifiers: ClinVar variation 1046527 (VCV001046527.5).